The following is an entry in ClinVar:

ClinVar aggregate classification (germline): Pathogenic. Review status: criteria provided, single submitter (1 of 4 stars). 2 submissions from 2 submitters: Pathogenic (1). 1 of the submissions does not count toward it. Last evaluated 2025-04-04.

Conditions:
Ullrich congenital muscular dystrophy 1A. Also called: Ullrich congenital muscular dystrophy 1; Intermediate COL6-RD. Identifiers: Orphanet 75840, MedGen C0410179, MONDO:0009681, OMIM 254090.

Submissions (2):

3billion
Classification: Pathogenic for Ullrich congenital muscular dystrophy 1A. Last evaluated: 2025-04-04. Review status: criteria provided, single submitter. Criteria: ACMG Guidelines, 2015. Collection method: clinical testing. Allele origin: germline. Affected: yes.
Comment: The variant is not observed in the gnomAD v4.1.0 dataset. Predicted Consequence/Location: Frameshift: predicted to result in a loss or disruption of normal protein function through nonsense-mediated decay (NMD) or protein truncation. Multiple pathogenic variants are reported downstream of the variant. The variant was homozygous. Therefore, this variant is classified as Pathogenic according to the recommendation of ACMG/AMP guideline.

Hong-Tao Li Lab, Institute of Brain Science and Brain-inspired Research, Shandong First Medical University & Shandong Academy of Medical Sciences China
Classification: Pathogenic for Ullrich congenital muscular dystrophy 1A. Review status: no assertion criteria provided. Collection method: research. Allele origin: germline. Affected: yes. Observed: 1 variant allele, 1 homozygote. Not counted in ClinVar's aggregate classification.
Comment: Observed in affected individuals from a Pakistani neurodevelopmental-disorder research cohort of 263 individuals. Classification assigned using the ACMG/AMP framework.

NM_001848.3(COL6A1):c.2202_2203del (p.Gln735fs)

Gene: COL6A1 (collagen type VI alpha 1 chain; plus strand). Cytogenetic location: 21q22.3.
Variant type: Deletion.
Coding change: c.2202_2203del on transcript NM_001848.3 (MANE Select); coding-DNA positions 2202 to 2203, 2 bases deleted (TC; older notation c.2202_2203delTC).
Protein change: p.Gln735fs; shifts the reading frame from glutamine 735.
Molecular consequence: frameshift variant.
Genome position (GRCh38, 1-based): chr21:46,002,353-46,002,354, TC deleted; deleting any 2 consecutive bases within chr21:46,002,352-46,002,354 gives the same sequence; the c. name uses the placement nearest the transcript's 3' end. VCF-style (leftmost placement, unchanged base first): chr21-46002351-ACT-A. GRCh37 (hg19) VCF-style: chr21-47422265-ACT-A.
Other names: short protein forms Q735fs.
Identifiers: ClinVar variation 4292581 (VCV004292581.2).